The following is an entry in ClinVar:

NM_000059.4(BRCA2):c.1992del (p.Thr665fs)

Gene: BRCA2 (BRCA2 DNA repair associated; plus strand). Cytogenetic location: 13q13.1.
Variant type: Deletion.
Coding change: c.1992del on transcript NM_000059.4 (MANE Select); coding-DNA position 1992, one base deleted (G; older notation c.1992delG).
Protein change: p.Thr665fs; shifts the reading frame from threonine 665.
Molecular consequence: frameshift variant.
Genome position (GRCh38, 1-based): chr13:32,336,347, G deleted; the last of 3 consecutive G bases (chr13:32,336,345-32,336,347); deleting any one gives the same sequence. VCF-style (leftmost placement, unchanged base first): chr13-32336344-TG-T. GRCh37 (hg19) VCF-style: chr13-32910481-TG-T.
Other names: c.1992delG (NM_000059.3); short protein forms T665fs.
Identifiers: ClinVar variation 485439 (VCV000485439.14), dbSNP rs1555282390, ClinGen allele CA658656350.

ClinVar aggregate classification (germline): Pathogenic. Review status: criteria provided, multiple submitters, no conflicts (2 of 4 stars). 3 submissions from 3 submitters: Pathogenic (3). Last evaluated 2023-05-08.

Conditions:
Hereditary cancer-predisposing syndrome. Also called: Neoplastic Syndromes, Hereditary; Tumor predisposition; Hereditary Cancer Syndrome; Hereditary neoplastic syndrome. Identifiers: Orphanet 140162, MedGen C0027672, MeSH D009386, MONDO:0015356.
Hereditary breast ovarian cancer syndrome. Also called: Hereditary breast and ovarian cancer syndrome; Hereditary breast and ovarian cancer; Hereditary breast and ovarian cancer syndrome (HBOC); Breast and ovarian cancer; Hereditary breast and/or ovarian cancer syndrome; BRCA1- and BRCA2-Associated Hereditary Breast and Ovarian Cancer. Identifiers: Orphanet 145, MedGen C0677776, MeSH D061325, MONDO:0003582. Disease mechanism: loss of function.

Submissions (3):

Labcorp Genetics (formerly Invitae), Labcorp
Classification: Pathogenic for Hereditary breast ovarian cancer syndrome. Last evaluated: 2023-05-08. Review status: criteria provided, single submitter. Criteria: Invitae Variant Classification Sherloc (09022015). Collection method: clinical testing. Allele origin: germline.
Comment: This variant is not present in population databases (gnomAD no frequency). For these reasons, this variant has been classified as Pathogenic. ClinVar contains an entry for this variant (Variation ID: 485439). This variant has not been reported in the literature in individuals affected with BRCA2-related conditions. This sequence change creates a premature translational stop signal (p.Thr665Glnfs*3) in the BRCA2 gene. It is expected to result in an absent or disrupted protein product. Loss-of-function variants in BRCA2 are known to be pathogenic (PMID: 20104584).

GeneDx
Classification: Pathogenic. Last evaluated: 2017-12-20. Review status: criteria provided, single submitter. Criteria: GeneDx Variant Classification (06012015). Collection method: clinical testing. Allele origin: germline. Affected: yes.
Comment: This deletion of one nucleotide in BRCA2 is denoted c.1992delG at the cDNA level and p.Thr665GlnfsX3 (T665QfsX3) at the protein level. Using alternate nomenclature, this variant would be defined as BRCA2 2220delG. The normal sequence, with the base that is deleted in brackets, is TTGG[delG]ACAA. The deletion causes a frameshift, which changes a Threonine to a Glutamine at codon 665 and creates a premature stop codon at position 3 of the new reading frame. Although this variant has not, to our knowledge, been reported in the literature, it is predicted to cause loss of normal protein function through either protein truncation or nonsense-mediated mRNA decay. We consider this variant to be pathogenic.

Ambry Genetics
Classification: Pathogenic for Hereditary cancer-predisposing syndrome. Last evaluated: 2017-05-11. Review status: criteria provided, single submitter. Criteria: Ambry Variant Classification Scheme 2023. Collection method: clinical testing. Allele origin: germline.
Comment: The c.1992delG pathogenic mutation, located in coding exon 10 of the BRCA2 gene, results from a deletion of one nucleotide at nucleotide position 1992, causing a translational frameshift with a predicted alternate stop codon (p.T665Qfs*3). This alteration is expected to result in loss of function by premature protein truncation or nonsense-mediated mRNA decay. As such, this alteration is interpreted as a disease-causing mutation.

Literature cited by the submitters: PubMed 20104584 (cited by Labcorp Genetics (formerly Invitae), Labcorp).